The following is an entry in ClinVar:

NM_001143909.1(RPEL1):c.285C>T (p.Leu95=)

Gene: RPEL1 (ribulose-5-phosphate-3-epimerase like 1; plus strand). Cytogenetic location: 10q24.33.
Variant type: single nucleotide variant.
Coding change: c.285C>T on transcript NM_001143909.1 (MANE Select); coding-DNA position 285, C replaced by T.
Protein change: p.Leu95=; no amino-acid change (leucine 95 retained).
Molecular consequence: synonymous variant.
Genome position (GRCh38, 1-based): chr10:103,246,281, C>T. VCF-style: chr10-103246281-C-T. GRCh37 (hg19) VCF-style: chr10-105006038-C-T.
Identifiers: ClinVar variation 4533639 (VCV004533639.6).

ClinVar aggregate classification (germline): Likely benign (1 of 4 stars; one submission).

Submission:

CeGaT Center for Human Genetics Tuebingen
Classification: Likely benign. Last evaluated: 2025-10-01. Review status: criteria provided, single submitter. Criteria: CeGaT Center For Human Genetics Tuebingen Variant Classification Criteria Version 2. Collection method: clinical testing. Allele origin: germline. Affected: yes. Observed: 1 variant allele.
Comment: RPEL1: BP4, BP7